The following is an entry in ClinVar:

ClinVar aggregate classification (germline): Uncertain significance (1 of 4 stars; one submission).

Conditions:
Noonan syndrome 9 (NS9). Identifiers: Orphanet 648, MedGen C4225282, MONDO:0014691, OMIM 616559.

Submission:

Labcorp Genetics (formerly Invitae), Labcorp
Classification: Uncertain significance for Noonan syndrome 9. Last evaluated: 2023-02-06. Review status: criteria provided, single submitter. Criteria: Invitae Variant Classification Sherloc (09022015). Collection method: clinical testing. Allele origin: germline.
Comment: This sequence change replaces phenylalanine, which is neutral and non-polar, with leucine, which is neutral and non-polar, at codon 1227 of the SOS2 protein (p.Phe1227Leu). This variant is not present in population databases (gnomAD no frequency). This variant has not been reported in the literature in individuals affected with SOS2-related conditions. Advanced modeling of protein sequence and biophysical properties (such as structural, functional, and spatial information, amino acid conservation, physicochemical variation, residue mobility, and thermodynamic stability) performed at Invitae indicates that this missense variant is not expected to disrupt SOS2 protein function. In summary, the available evidence is currently insufficient to determine the role of this variant in disease. Therefore, it has been classified as a Variant of Uncertain Significance.

NM_006939.4(SOS2):c.3681T>A (p.Phe1227Leu)

Gene: SOS2 (SOS Ras/Rho guanine nucleotide exchange factor 2; minus strand). Cytogenetic location: 14q21.3.
Variant type: single nucleotide variant.
Coding change: c.3681T>A on transcript NM_006939.4 (MANE Select); coding-DNA position 3681, T replaced by A.
Protein change: p.Phe1227Leu; replaces phenylalanine 1227 with leucine.
Molecular consequence: missense variant.
Genome position (GRCh38, 1-based): chr14:50,118,662, A>T on the plus strand (T>A on the coding strand, the complement: SOS2 is on the minus strand). VCF-style: chr14-50118662-A-T. GRCh37 (hg19) VCF-style: chr14-50585380-A-T.
Other names: c.3582T>A, p.Phe1194Leu (NM_001411020.1); short protein forms F1227L, F1194L.
Identifiers: ClinVar variation 2966007 (VCV002966007.3), dbSNP rs748607274, ClinGen allele CA389638272.